The following is an entry in ClinVar:

ClinVar aggregate classification (germline): Pathogenic/Likely pathogenic. Review status: criteria provided, multiple submitters, no conflicts (2 of 4 stars). 3 submissions from 3 submitters: Pathogenic (2); Likely pathogenic (1). Last evaluated 2023-09-12.

Conditions:
Familial cancer of breast. Also called: hereditary breast carcinoma; Hereditary breast cancer; BREAST CANCER, FAMILIAL. Identifiers: Orphanet 227535, MedGen C0346153, MONDO:0016419, OMIM 114480. Disease mechanism: loss of function.

Submissions (3):

Myriad Genetics, Inc.
Classification: Pathogenic for Familial cancer of breast. Last evaluated: 2023-09-12. Review status: criteria provided, single submitter. Criteria: Myriad Autosomal Dominant, Autosomal Recessive and X-Linked Classification Criteria (2023). Collection method: clinical testing. Allele origin: unknown.
Comment: This variant is considered pathogenic. This variant creates a termination codon and is predicted to result in premature protein truncation.

Labcorp Genetics (formerly Invitae), Labcorp
Classification: Pathogenic for Familial cancer of breast. Last evaluated: 2023-02-08. Review status: criteria provided, single submitter. Criteria: Invitae Variant Classification Sherloc (09022015). Collection method: clinical testing. Allele origin: germline.
Comment: For these reasons, this variant has been classified as Pathogenic. This variant has not been reported in the literature in individuals affected with PALB2-related conditions. This sequence change creates a premature translational stop signal (p.Gly680*) in the PALB2 gene. It is expected to result in an absent or disrupted protein product. Loss-of-function variants in PALB2 are known to be pathogenic (PMID: 17200668, 17200671, 17200672, 24136930, 25099575). This variant is not present in population databases (gnomAD no frequency).

GeneDx
Classification: Likely pathogenic. Last evaluated: 2022-11-16. Review status: criteria provided, single submitter. Criteria: GeneDx Variant Classification Process June 2021. Collection method: clinical testing. Allele origin: germline. Affected: yes.
Comment: Nonsense variant predicted to result in protein truncation or nonsense mediated decay in a gene for which loss of function is a known mechanism of disease; Not observed at significant frequency in large population cohorts (gnomAD); Has not been previously published as pathogenic or benign to our knowledge

Literature cited by the submitters: PubMed 17200668 (cited by Labcorp Genetics (formerly Invitae), Labcorp); PubMed 17200671 (cited by Labcorp Genetics (formerly Invitae), Labcorp); PubMed 17200672 (cited by Labcorp Genetics (formerly Invitae), Labcorp); PubMed 24136930 (cited by Labcorp Genetics (formerly Invitae), Labcorp); PubMed 25099575 (cited by Labcorp Genetics (formerly Invitae), Labcorp).

NM_024675.4(PALB2):c.2038G>T (p.Gly680Ter)

Gene: PALB2 (partner and localizer of BRCA2; minus strand). Cytogenetic location: 16p12.2.
Variant type: single nucleotide variant.
Coding change: c.2038G>T on transcript NM_024675.4 (MANE Select); coding-DNA position 2038, G replaced by T.
Protein change: p.Gly680Ter; replaces glycine 680 with a stop codon.
Molecular consequence: nonsense. On other transcripts: intron variant (1).
Genome position (GRCh38, 1-based): chr16:23,630,116, C>A on the plus strand (G>T on the coding strand, the complement: PALB2 is on the minus strand). VCF-style: chr16-23630116-C-A. GRCh37 (hg19) VCF-style: chr16-23641437-C-A.
Other names: c.1978G>T, p.Gly660Ter (NM_001407296.1); c.2038G>T, p.Gly680Ter (NM_001407297.1, NM_001407298.1, NM_001407299.1 and 3 more transcripts); c.1153G>T, p.Gly385Ter (NM_001407304.1, NM_001407305.1, NM_001407306.1 and 5 more transcripts); c.250G>T, p.Gly84Ter (NM_001407312.1, NM_001407313.1); c.49-841G>T (NM_001407314.1); short protein forms G385*, G660*, G680*, G84*.
Identifiers: ClinVar variation 2502659 (VCV002502659.5), dbSNP rs1223755856, ClinGen allele CA395126914.